The following is an entry in ClinVar:

ClinVar aggregate classification (germline): Uncertain significance (1 of 4 stars; one submission).

Conditions:
Neu-Laxova syndrome 2. Identifiers: Orphanet 2671, Orphanet 583602, MedGen C4015019, MONDO:0014466, OMIM 616038.

gnomAD v4.1: 4 of 1,600,756 alleles (0.00025%); highest among the groups gnomAD compares: Non-Finnish European, 0.00034%; no homozygotes.

Submission:

Labcorp Genetics (formerly Invitae), Labcorp
Classification: Uncertain significance for Neu-Laxova syndrome 2. Last evaluated: 2021-03-15. Review status: criteria provided, single submitter. Criteria: Invitae Variant Classification Sherloc (09022015). Collection method: clinical testing. Allele origin: germline.
Comment: Algorithms developed to predict the effect of missense changes on protein structure and function are either unavailable or do not agree on the potential impact of this missense change (SIFT: "Deleterious"; PolyPhen-2: "Benign"; Align-GVGD: "Class C0"). In summary, the available evidence is currently insufficient to determine the role of this variant in disease. Therefore, it has been classified as a Variant of Uncertain Significance. This variant has not been reported in the literature in individuals with PSAT1-related conditions. This variant is not present in population databases (ExAC no frequency). This sequence change replaces alanine with threonine at codon 15 of the PSAT1 protein (p.Ala15Thr). The alanine residue is highly conserved and there is a small physicochemical difference between alanine and threonine.

NM_058179.4(PSAT1):c.43G>A (p.Ala15Thr)

Gene: PSAT1 (phosphoserine aminotransferase 1; plus strand). Cytogenetic location: 9q21.2.
Variant type: single nucleotide variant.
Coding change: c.43G>A on transcript NM_058179.4 (MANE Select); coding-DNA position 43, G replaced by A.
Protein change: p.Ala15Thr; replaces alanine 15 with threonine.
Molecular consequence: missense variant.
Genome position (GRCh38, 1-based): chr9:78,297,253, G>A. VCF-style: chr9-78297253-G-A. GRCh37 (hg19) VCF-style: chr9-80912169-G-A.
Other names: c.43G>A, p.Ala15Thr (NM_021154.5); short protein forms A15T.
Identifiers: ClinVar variation 1414482 (VCV001414482.8), dbSNP rs774962204, ClinGen allele CA373871230.